The following is an entry in ClinVar:

NM_182914.3(SYNE2):c.4646C>G (p.Thr1549Ser)

Gene: SYNE2 (spectrin repeat containing nuclear envelope protein 2; plus strand). Cytogenetic location: 14q23.2.
Variant type: single nucleotide variant.
Coding change: c.4646C>G on transcript NM_182914.3 (MANE Select); coding-DNA position 4646, C replaced by G.
Protein change: p.Thr1549Ser; replaces threonine 1549 with serine.
Molecular consequence: missense variant.
Genome position (GRCh38, 1-based): chr14:64,010,034, C>G. VCF-style: chr14-64010034-C-G. GRCh37 (hg19) VCF-style: chr14-64476752-C-G.
Other names: c.4646C>G, p.Thr1549Ser (NM_015180.6); short protein forms T1549S.
Identifiers: ClinVar variation 942917 (VCV000942917.9), dbSNP rs1223928872, ClinGen allele CA389936020.

ClinVar aggregate classification (germline): Uncertain significance (1 of 4 stars; one submission).

Conditions:
Emery-Dreifuss muscular dystrophy 5, autosomal dominant (EDMD5). Also called: EMERY-DREIFUSS MUSCULAR DYSTROPHY 5. Identifiers: Orphanet 261, MedGen C2751805, MONDO:0013072, OMIM 612999.

Allele frequency attached by ClinVar (database versions not stated): TOPMed 0.00002.

Submission:

Labcorp Genetics (formerly Invitae), Labcorp
Classification: Uncertain significance for Emery-Dreifuss muscular dystrophy 5, autosomal dominant. Last evaluated: 2019-09-19. Review status: criteria provided, single submitter. Criteria: Invitae Variant Classification Sherloc (09022015). Collection method: clinical testing. Allele origin: germline.
Comment: In summary, the available evidence is currently insufficient to determine the role of this variant in disease. Therefore, it has been classified as a Variant of Uncertain Significance. Algorithms developed to predict the effect of missense changes on protein structure and function output the following: SIFT: "Tolerated"; PolyPhen-2: "Benign"; Align-GVGD: "Class C0". The serine amino acid residue is found in multiple mammalian species, suggesting that this missense change does not adversely affect protein function. These predictions have not been confirmed by published functional studies and their clinical significance is uncertain. This variant has not been reported in the literature in individuals with SYNE2-related conditions. This variant is not present in population databases (ExAC no frequency). This sequence change replaces threonine with serine at codon 1549 of the SYNE2 protein (p.Thr1549Ser). The threonine residue is weakly conserved and there is a small physicochemical difference between threonine and serine.